The following is an entry in ClinVar:

NM_001365951.3(KIF1B):c.4216A>G (p.Met1406Val)

Gene: KIF1B (kinesin family member 1B; plus strand). Cytogenetic location: 1p36.22.
Variant type: single nucleotide variant.
Coding change: c.4216A>G on transcript NM_001365951.3 (MANE Select); coding-DNA position 4216, A replaced by G.
Protein change: p.Met1406Val; replaces methionine 1406 with valine.
Molecular consequence: missense variant.
Genome position (GRCh38, 1-based): chr1:10,361,737, A>G. VCF-style: chr1-10361737-A-G. GRCh37 (hg19) VCF-style: chr1-10421795-A-G.
Other names: c.4216A>G, p.Met1406Val (NM_001365952.1); c.4078A>G, p.Met1360Val (NM_015074.3); short protein forms M1406V, M1360V.
Identifiers: ClinVar variation 1737595 (VCV001737595.2), dbSNP rs2521885786, ClinGen allele CA338317324.

ClinVar aggregate classification (germline): Uncertain significance (1 of 4 stars; one submission).

Submission:

Ambry Genetics
Classification: Uncertain significance. Last evaluated: 2021-06-20. Review status: criteria provided, single submitter. Criteria: Ambry Variant Classification Scheme 2023. Collection method: clinical testing. Allele origin: germline.
Comment: The p.M1360V variant (also known as c.4078A>G), located in coding exon 37 of the KIF1B gene, results from an A to G substitution at nucleotide position 4078. The methionine at codon 1360 is replaced by valine, an amino acid with highly similar properties. This amino acid position is conserved. In addition, this alteration is predicted to be deleterious by in silico analysis. Since supporting evidence is limited at this time, the clinical significance of this alteration remains unclear.